The following is an entry in ClinVar:

ClinVar aggregate classification (germline): Pathogenic. Review status: criteria provided, multiple submitters, no conflicts (2 of 4 stars). 2 submissions from 2 submitters: Pathogenic (2). Last evaluated 2025-11-18.

Conditions:
Amyotrophic lateral sclerosis type 1 (ALS1). Also called: AMYOTROPHIC LATERAL SCLEROSIS 1, FAMILIAL. Identifiers: Orphanet 803, MedGen C1862939, MONDO:0007103, OMIM 105400.
SOD1-related disorder. Also called: SOD1-related condition.

Submissions (2):

Labcorp Genetics (formerly Invitae), Labcorp
Classification: Pathogenic for Amyotrophic lateral sclerosis type 1. Last evaluated: 2025-11-18. Review status: criteria provided, single submitter. Criteria: Invitae Variant Classification Sherloc (09022015). Collection method: clinical testing. Allele origin: germline.
Comment: This sequence change replaces glycine, which is neutral and non-polar, with serine, which is neutral and polar, at codon 94 of the SOD1 protein (p.Gly94Ser). This variant is not present in population databases (gnomAD no frequency). This missense change has been observed in individual(s) with amyotrophic lateral sclerosis (PMID: 9455983, 23286750). This variant is also known as Gly93-->Ser, G93C. ClinVar contains an entry for this variant (Variation ID: 2634277). Invitae Evidence Modeling of protein sequence and biophysical properties (such as structural, functional, and spatial information, amino acid conservation, physicochemical variation, residue mobility, and thermodynamic stability) indicates that this missense variant is expected to disrupt SOD1 protein function with a positive predictive value of 95%. Experimental studies have shown that this missense change affects SOD1 function (PMID: 19483195, 21257910, 26362407). This variant disrupts the p.Gly94 amino acid residue in SOD1. Other variant(s) that disrupt this residue have been determined to be pathogenic (PMID: 8004110, 9029070, 12482932, 16476815, 18273717, 19483195, 20577002, 21120636, 24325798, 28089114). This suggests that this residue is clinically significant, and that variants that disrupt this residue are likely to be disease-causing. For these reasons, this variant has been classified as Pathogenic.

PreventionGenetics, part of Exact Sciences
Classification: Pathogenic for SOD1-related condition. Last evaluated: 2025-10-03. Review status: criteria provided, single submitter. Criteria: ACMG Guidelines, 2015. Collection method: clinical testing. Allele origin: germline.
Comment: The SOD1 c.280G>A variant is predicted to result in the amino acid substitution p.Gly94Ser. This variant, previously described as p.Gly93Ser using legacy nomenclature, has been reported in patients with amyotrophic lateral sclerosis (see for example: Kawata et al. 1997. PubMed ID: 9455983; Pfister et al. 2013. PubMed ID: 23286750). We have also observed this variant in additional ALS patients tested at PreventionGenetics. Several other missense changes at the same amino acid position, c.281G>C (p.Gly94Ala), c.281G>A (p.Gly94Asp), c.280G>C (p.Gly94Arg), c.281G>T (p.Gly94Val), and c.280>T (p.Gly94Cys), have all been reported to be causative for ALS (Rosen. 1993. PubMed ID: 8446170; Esteban. 1994. PubMed ID: 7951252; Luigetti et al. 2009. PubMed ID: 19922144; Black et al. 2017. PubMed ID: 28089114; Hosler et al. 1996. PubMed ID: 8938700). Functional studies found this variant results in SOD1 protein aggregation (Prudencio et al. 2009. PubMed ID: 19483195; Vassall et al. 2011. PubMed ID: 21257910). This variant has not been reported in a large population database, indicating this variant is rare. Missense changes not present in the gnomAD database are frequently seen in documented pathogenic variants within the SOD1 gene. This variant is interpreted as pathogenic.

Literature cited by the submitters: PubMed 9455983 (cited by Labcorp Genetics (formerly Invitae), Labcorp); PubMed 23286750 (cited by Labcorp Genetics (formerly Invitae), Labcorp); PubMed 19483195 (cited by Labcorp Genetics (formerly Invitae), Labcorp); PubMed 21257910 (cited by Labcorp Genetics (formerly Invitae), Labcorp); PubMed 26362407 (cited by Labcorp Genetics (formerly Invitae), Labcorp); PubMed 8004110 (cited by Labcorp Genetics (formerly Invitae), Labcorp); PubMed 9029070 (cited by Labcorp Genetics (formerly Invitae), Labcorp); PubMed 12482932 (cited by Labcorp Genetics (formerly Invitae), Labcorp); PubMed 16476815 (cited by Labcorp Genetics (formerly Invitae), Labcorp); PubMed 18273717 (cited by Labcorp Genetics (formerly Invitae), Labcorp); PubMed 20577002 (cited by Labcorp Genetics (formerly Invitae), Labcorp); PubMed 21120636 (cited by Labcorp Genetics (formerly Invitae), Labcorp); PubMed 24325798 (cited by Labcorp Genetics (formerly Invitae), Labcorp); PubMed 28089114 (cited by Labcorp Genetics (formerly Invitae), Labcorp).

NM_000454.5(SOD1):c.280G>A (p.Gly94Ser)

Gene: SOD1 (superoxide dismutase 1; plus strand). Cytogenetic location: 21q22.11.
Variant type: single nucleotide variant.
Coding change: c.280G>A on transcript NM_000454.5 (MANE Select); coding-DNA position 280, G replaced by A.
Protein change: p.Gly94Ser; replaces glycine 94 with serine.
Molecular consequence: missense variant.
Genome position (GRCh38, 1-based): chr21:31,667,298, G>A. VCF-style: chr21-31667298-G-A. GRCh37 (hg19) VCF-style: chr21-33039611-G-A.
Other names: short protein forms G94S.
Identifiers: ClinVar variation 2634277 (VCV002634277.6), dbSNP rs121912437, ClinGen allele CA410037457.